The following is an entry in ClinVar:

NM_018297.4(NGLY1):c.492G>C (p.Thr164=)

Gene: NGLY1 (N-glycanase 1; minus strand). Cytogenetic location: 3p24.2.
Variant type: single nucleotide variant.
Coding change: c.492G>C on transcript NM_018297.4 (MANE Select); coding-DNA position 492, G replaced by C.
Protein change: p.Thr164=; no amino-acid change (threonine 164 retained).
Molecular consequence: synonymous variant.
Genome position (GRCh38, 1-based): chr3:25,764,066, C>G on the plus strand (G>C on the coding strand, the complement: NGLY1 is on the minus strand). VCF-style: chr3-25764066-C-G. GRCh37 (hg19) VCF-style: chr3-25805557-C-G.
Other names: c.492G>C (NM_018297.3); c.492G>C, p.Thr164= (NM_001145293.2, NM_001145295.2); c.366G>C, p.Thr122= (NM_001145294.2).
Identifiers: ClinVar variation 1921493 (VCV001921493.7), dbSNP rs778126026, ClinGen allele CA2289475.

ClinVar aggregate classification (germline): Uncertain significance. Review status: criteria provided, multiple submitters, no conflicts (2 of 4 stars). 2 submissions from 2 submitters: Uncertain significance (2). Last evaluated 2025-05-07.

Conditions:
Congenital disorder of deglycosylation (CDDG). Identifiers: MedGen C3808991, MONDO:0031376.

Allele frequency attached by ClinVar (database versions not stated): ExAC 0.00001; gnomAD 0.00001.
gnomAD v4.1: 11 of 1,613,746 alleles (0.00068%); highest among the groups gnomAD compares: African/African-American, 0.0013%; no homozygotes.

Submissions (3):

GeneDx
Classification: Uncertain significance. Last evaluated: 2025-05-07. Review status: criteria provided, single submitter. Criteria: GeneDx Variant Classification Process June 2021. Collection method: clinical testing. Allele origin: germline. Affected: yes.
Comment: Not observed at significant frequency in large population cohorts (gnomAD); Alters the last nucleotide of the exon and is predicted to damage the splice donor site but the effect on protein function is unclear; Has not been previously published as pathogenic or benign to our knowledge

Labcorp Genetics (formerly Invitae), Labcorp
Classification: Uncertain significance for Congenital disorder of deglycosylation. Last evaluated: 2023-12-18. Review status: criteria provided, single submitter. Criteria: Invitae Variant Classification Sherloc (09022015). Collection method: clinical testing. Allele origin: germline.
Comment: This sequence change affects codon 164 of the NGLY1 mRNA. It is a 'silent' change, meaning that it does not change the encoded amino acid sequence of the NGLY1 protein. This variant also falls at the last nucleotide of exon 3, which is part of the consensus splice site for this exon. This variant is present in population databases (rs778126026, gnomAD 0.0009%). This variant has not been reported in the literature in individuals affected with NGLY1-related conditions. ClinVar contains an entry for this variant (Variation ID: 1921493). Variants that disrupt the consensus splice site are a relatively common cause of aberrant splicing (PMID: 17576681, 9536098). Algorithms developed to predict the effect of sequence changes on RNA splicing suggest that this variant may disrupt the consensus splice site. In summary, the available evidence is currently insufficient to determine the role of this variant in disease. Therefore, it has been classified as a Variant of Uncertain Significance.

Dr. Peter K. Rogan Lab, Western University
No classification provided (evidence only). Condition: Familial cancer of breast. Review status: no classification provided. Collection method: in vitro. Allele origin: not applicable. Functional consequence: retained intron. Not counted in ClinVar's aggregate classification.

Literature cited by the submitters: PubMed 17576681 (cited by Labcorp Genetics (formerly Invitae), Labcorp); PubMed 9536098 (cited by Labcorp Genetics (formerly Invitae), Labcorp).